The following is an entry in ClinVar:

NM_007209.4(RPL35):c.160A>G (p.Ile54Val)

Gene: RPL35 (ribosomal protein L35; minus strand). Cytogenetic location: 9q33.3.
Variant type: single nucleotide variant.
Coding change: c.160A>G on transcript NM_007209.4 (MANE Select); coding-DNA position 160, A replaced by G.
Protein change: p.Ile54Val; replaces isoleucine 54 with valine.
Molecular consequence: missense variant.
Genome position (GRCh38, 1-based): chr9:124,860,245, T>C on the plus strand (A>G on the coding strand, the complement: RPL35 is on the minus strand). VCF-style: chr9-124860245-T-C. GRCh37 (hg19) VCF-style: chr9-127622524-T-C.
Other names: short protein forms I54V.
Identifiers: ClinVar variation 2877741 (VCV002877741.3), dbSNP rs1340035392, ClinGen allele CA374886931.

ClinVar aggregate classification (germline): Uncertain significance (1 of 4 stars; one submission).

Allele frequency attached by ClinVar (database versions not stated): gnomAD exomes 0.00001.
gnomAD v4.1: 7 of 1,614,078 alleles (0.00043%); highest among the groups gnomAD compares: South Asian, 0.0011%; no homozygotes.

Submission:

Labcorp Genetics (formerly Invitae), Labcorp
Classification: Uncertain significance. Last evaluated: 2023-07-27. Review status: criteria provided, single submitter. Criteria: Invitae Variant Classification Sherloc (09022015). Collection method: clinical testing. Allele origin: germline.
Comment: In summary, the available evidence is currently insufficient to determine the role of this variant in disease. Therefore, it has been classified as a Variant of Uncertain Significance. An algorithm developed to predict the effect of missense changes on protein structure and function (PolyPhen-2) suggests that this variant is likely to be tolerated. This variant has not been reported in the literature in individuals affected with RPL35-related conditions. This variant is present in population databases (no rsID available, gnomAD 0.0009%). This sequence change replaces isoleucine, which is neutral and non-polar, with valine, which is neutral and non-polar, at codon 54 of the RPL35 protein (p.Ile54Val).